The following is an entry in ClinVar:

ClinVar aggregate classification (germline): Pathogenic (1 of 4 stars; one submission).

Conditions:
Idiopathic and/or familial pulmonary arterial hypertension. Identifiers: Orphanet 422, MedGen C5679820, MONDO:0008347.

Submission:

Laboratory for Molecular Medicine, Mass General Brigham Personalized Medicine
Classification: Pathogenic for Idiopathic and/or familial pulmonary arterial hypertension. Last evaluated: 2017-10-02. Review status: criteria provided, single submitter. Criteria: LMM Criteria. Collection method: clinical testing. Allele origin: germline. Observed: 1 variant allele.
Comment: The BMPR2 exon 1 deletion has been reported in at least 8 individuals with pulmo nary arterial hypertension (PAH) and segregated with disease in at least 1 affec ted relative (PAH; Aldred 2006; Cogan 2006; Dewachter 2009; Machado 2001, 2009, 2015; Xi 2016). A deletion overlapping this region has been reported in 1 indivi dual in the database of genomic variation (DGV; gv2_hg19/). Please note that for diseases with clinical variability or reduced p enetrance, pathogenic variants may be present at a low frequency in the general population. This single exon deletion is expected to result in an absent protein , and function studies suggest that a decrease in BMPR2 mRNA levels in a heteroz ygous carrier of exon 1 deletion (Dewachter 2009). Loss-of-function variants in BMPR2 are known to be associated with pulmonary arterial hypertension (PAH). In summary, this variant meets criteria to be classified as pathogenic for PAH in a n autosomal dominant manner. ACMG/AMP Criteria applied: PVS1, PS4 (Richards 2015 ).

Literature cited by the submitters: PubMed 16728714; PubMed 26387786; PubMed 16429403; PubMed 26820968; PubMed 19324947; PubMed 19555857; PubMed 11115378.

NM_001204.6(BMPR2):c.(?_-63)_(76_?)+61del

Gene: BMPR2 (bone morphogenetic protein receptor type 2; plus strand). Cytogenetic location: 2q33.1.
Variant type: Deletion.
Other names: c.(?_-63)_(76+61_?)del (LRG_712t1).
Identifiers: ClinVar variation 517622 (VCV000517622.4).